The following is an entry in ClinVar:

NM_012418.4(FSCN2):c.826+1G>A

Gene: FSCN2 (fascin actin-bundling protein 2, retinal; plus strand). Cytogenetic location: 17q25.3.
Variant type: single nucleotide variant.
Coding change: c.826+1G>A on transcript NM_012418.4 (MANE Select); the canonical splice donor site of the intron after coding-DNA position 826, G replaced by A.
Molecular consequence: splice donor variant.
Genome position (GRCh38, 1-based): chr17:81,529,358, G>A. VCF-style: chr17-81529358-G-A. GRCh37 (hg19) VCF-style: chr17-79496384-G-A.
Other names: c.826+1G>A (NM_001077182.3).
Identifiers: ClinVar variation 2964347 (VCV002964347.3), dbSNP rs1555670848, ClinGen allele CA401474195.

ClinVar aggregate classification (germline): Uncertain significance (1 of 4 stars; one submission).

Allele frequency attached by ClinVar (database versions not stated): gnomAD exomes below 0.00001.
gnomAD v4.1: 3 of 1,537,468 alleles (0.0002%); highest among the groups gnomAD compares: Non-Finnish European, 0.000088%; no homozygotes.

Submission:

Labcorp Genetics (formerly Invitae), Labcorp
Classification: Uncertain significance. Last evaluated: 2023-10-07. Review status: criteria provided, single submitter. Criteria: Invitae Variant Classification Sherloc (09022015). Collection method: clinical testing. Allele origin: germline.
Comment: This sequence change affects a donor splice site in intron 1 of the FSCN2 gene. It is expected to disrupt RNA splicing. Variants that disrupt the donor or acceptor splice site typically lead to a loss of protein function (PMID: 16199547), however the current clinical and genetic evidence is not sufficient to establish whether loss-of-function variants in FSCN2 cause disease. This variant is not present in population databases (gnomAD no frequency). This variant has not been reported in the literature in individuals affected with FSCN2-related conditions. Algorithms developed to predict the effect of sequence changes on RNA splicing suggest that this variant may disrupt the consensus splice site. In summary, the available evidence is currently insufficient to determine the role of this variant in disease. Therefore, it has been classified as a Variant of Uncertain Significance.

Literature cited by the submitters: PubMed 16199547.